The following is an entry in ClinVar:

NM_024301.5(FKRP):c.948C>A (p.Pro316=)

Gene: FKRP (fukutin related protein; plus strand). Cytogenetic location: 19q13.32.
Variant type: single nucleotide variant.
Coding change: c.948C>A on transcript NM_024301.5 (MANE Select); coding-DNA position 948, C replaced by A.
Protein change: p.Pro316=; no amino-acid change (proline 316 retained).
Molecular consequence: synonymous variant.
Genome position (GRCh38, 1-based): chr19:46,756,398, C>A. VCF-style: chr19-46756398-C-A. GRCh37 (hg19) VCF-style: chr19-47259655-C-A.
Other names: c.948C>A, p.Pro316= (NM_001039885.3); c.948C>A (NM_024301.4).
Identifiers: ClinVar variation 1134038 (VCV001134038.11), dbSNP rs945877846, ClinGen allele CA309099644.

ClinVar aggregate classification (germline): Likely benign. Review status: criteria provided, multiple submitters, no conflicts (2 of 4 stars). 3 submissions from 3 submitters: Likely benign (3). Last evaluated 2026-09-14.

Conditions:
FKRP-related disorder. Also called: FKRP-related condition.
Cardiovascular phenotype. Identifiers: MedGen CN230736.
Walker-Warburg congenital muscular dystrophy. Also called: Muscular dystrophy-dystroglycanopathy, type A; Walker-Warburg syndrome. Identifiers: Orphanet 899, MedGen C0265221, MONDO:0000171.

gnomAD v4.1: 10 of 1,569,470 alleles (0.00064%); highest among the groups gnomAD compares: Admixed American, 0.013%; no homozygotes.

Submissions (3):

PreventionGenetics, part of Exact Sciences
Classification: Likely benign for FKRP-related condition. Last evaluated: 2026-09-14. Review status: criteria provided, single submitter. Criteria: ACMG Guidelines, 2015. Collection method: clinical testing. Allele origin: germline.
Comment: This variant is classified as likely benign based on ACMG/AMP sequence variant interpretation guidelines (Richards et al. 2015 PMID: 25741868, with internal and published modifications).

Labcorp Genetics (formerly Invitae), Labcorp
Classification: Likely benign for Walker-Warburg congenital muscular dystrophy. Last evaluated: 2025-12-17. Review status: criteria provided, single submitter. Criteria: Invitae Variant Classification Sherloc (09022015). Collection method: clinical testing. Allele origin: germline.

Ambry Genetics
Classification: Likely benign for Cardiovascular phenotype. Last evaluated: 2023-09-18. Review status: criteria provided, single submitter. Criteria: Ambry Variant Classification Scheme 2023. Collection method: clinical testing. Allele origin: germline.